The following is an entry in ClinVar:

NM_000518.4(HBB):c.64G>A (p.Asp22Asn)

Genes: HBB (hemoglobin subunit beta; minus strand), LOC106099062 (HBB recombination region; plus strand), LOC107133510 (origin of replication at HBB; plus strand). Cytogenetic location: 11p15.4.
Variant type: single nucleotide variant.
Coding change: c.64G>A on transcript NM_000518.4; coding-DNA position 64, G replaced by A.
Protein change: p.Asp22Asn; replaces aspartic acid 22 with asparagine.
Molecular consequence: missense variant (on NM_000518.5).
Genome position (GRCh38, 1-based): chr11:5,226,958, C>T on the plus strand (G>A on the coding strand, the complement: HBB is on the minus strand). VCF-style: chr11-5226958-C-T. GRCh37 (hg19) VCF-style: chr11-5248188-C-T.
Other names: D21N; c.64G>A, p.Asp22Asn (NM_000518.5); short protein forms D22N.
Identifiers: ClinVar variation 15140 (VCV000015140.3), dbSNP rs33950093, ClinGen allele CA124801.

ClinVar aggregate classification (germline): Uncertain significance. Review status: criteria provided, single submitter (1 of 4 stars). 2 submissions from 2 submitters: Uncertain significance (1). 1 of the submissions does not count toward it. Last evaluated 2024-07-11.

Conditions:
HEMOGLOBIN COCODY.

Submissions (2):

Quest Diagnostics Nichols Institute San Juan Capistrano
Classification: Uncertain significance. Last evaluated: 2024-07-11. Review status: criteria provided, single submitter. Criteria: Quest Diagnostics criteria. Collection method: clinical testing. Allele origin: unknown.
Comment: The HBB c.64G>A (p.Asp22Asn) variant has been reported in the published literature in individuals heterozygous for the variant who displayed with normal red blood cell indices (PMID: 2384310 (1990)). This variant has not been reported in large, multi-ethnic general populations (Genome Aggregation Database). Analysis of this variant using bioinformatics tools (i.e., MutationTaster and PolyPhen-2) for the prediction of the effect of amino acid changes on protein structure and function yielded conflicting predictions that this variant is deleterious or benign. Based on the available information, we are unable to determine the clinical significance of this variant.

OMIM
Classification: other for HEMOGLOBIN COCODY. Last evaluated: 2017-12-12. Review status: no assertion criteria provided. Collection method: literature only. Allele origin: germline. Not counted in ClinVar's aggregate classification.

Literature cited by the submitters: PubMed 2384310 (cited by Quest Diagnostics Nichols Institute San Juan Capistrano and OMIM); PubMed 19429541 (cited by Quest Diagnostics Nichols Institute San Juan Capistrano); PubMed 6292136 (cited by OMIM); PubMed 4030382 (cited by OMIM).